The following is an entry in ClinVar:

ClinVar aggregate classification (germline): Likely benign. Review status: criteria provided, multiple submitters, no conflicts (2 of 4 stars). 2 submissions from 2 submitters: Likely benign (2). Last evaluated 2023-09-11.

Conditions:
Joubert syndrome. Also called: CEREBELLOPARENCHYMAL DISORDER IV; JOUBERT-BOLTSHAUSER SYNDROME; Familial aplasia of the vermis. Identifiers: Orphanet 475, MedGen C5979921, MONDO:0018772.

Allele frequency attached by ClinVar (database versions not stated): ExAC 0.00001; gnomAD 0.00001; gnomAD exomes 0.00001; TOPMed 0.00003.

Submissions (2):

Labcorp Genetics (formerly Invitae), Labcorp
Classification: Likely benign for Joubert syndrome. Last evaluated: 2023-09-11. Review status: criteria provided, single submitter. Criteria: Invitae Variant Classification Sherloc (09022015). Collection method: clinical testing. Allele origin: germline.

GeneDx
Classification: Likely benign. Last evaluated: 2018-05-23. Review status: criteria provided, single submitter. Criteria: GeneDx Variant Classification (06012015). Collection method: clinical testing. Allele origin: germline. Affected: yes.
Comment: This variant is considered likely benign or benign based on one or more of the following criteria: it is a conservative change, it occurs at a poorly conserved position in the protein, it is predicted to be benign by multiple in silico algorithms, and/or has population frequency not consistent with disease.

NM_001134831.2(AHI1):c.3110-13T>C

Gene: AHI1 (Abelson helper integration site 1; minus strand). Cytogenetic location: 6q23.3.
Variant type: single nucleotide variant.
Coding change: c.3110-13T>C on transcript NM_001134831.2 (MANE Select); 13 bases into the intron before coding-DNA position 3110, T replaced by C.
Molecular consequence: intron variant.
Genome position (GRCh38, 1-based): chr6:135,358,200, A>G on the plus strand (T>C on the coding strand, the complement: AHI1 is on the minus strand). VCF-style: chr6-135358200-A-G. GRCh37 (hg19) VCF-style: chr6-135679338-A-G.
Other names: c.3110-13T>C (NM_001134830.2, NM_001350503.2, NM_017651.5 and 1 more transcripts).
Identifiers: ClinVar variation 668676 (VCV000668676.9), dbSNP rs751738538, ClinGen allele CA4012111.